The following is an entry in ClinVar:

ClinVar aggregate classification (germline): Uncertain significance. Review status: criteria provided, multiple submitters, no conflicts (2 of 4 stars). 2 submissions from 2 submitters: Uncertain significance (2). Last evaluated 2025-11-28.

Allele frequency attached by ClinVar (database versions not stated): gnomAD 0.00002; TOPMed 0.00001; gnomAD exomes 0.00002.

Submissions (2):

Labcorp Genetics (formerly Invitae), Labcorp
Classification: Uncertain significance. Last evaluated: 2025-11-28. Review status: criteria provided, single submitter. Criteria: Invitae Variant Classification Sherloc (09022015). Collection method: clinical testing. Allele origin: germline.
Comment: This sequence change replaces asparagine, which is neutral and polar, with serine, which is neutral and polar, at codon 133 of the NSD1 protein (p.Asn133Ser). This variant is not present in population databases (gnomAD no frequency). This variant has not been reported in the literature in individuals affected with NSD1-related conditions. ClinVar contains an entry for this variant (Variation ID: 2430658). Invitae Evidence Modeling of protein sequence and biophysical properties (such as structural, functional, and spatial information, amino acid conservation, physicochemical variation, residue mobility, and thermodynamic stability) indicates that this missense variant is not expected to disrupt NSD1 protein function with a negative predictive value of 95%. In summary, the available evidence is currently insufficient to determine the role of this variant in disease. Therefore, it has been classified as a Variant of Uncertain Significance.

GeneDx
Classification: Uncertain significance. Last evaluated: 2022-08-24. Review status: criteria provided, single submitter. Criteria: GeneDx Variant Classification Process June 2021. Collection method: clinical testing. Allele origin: germline. Affected: yes.
Comment: Not observed at significant frequency in large population cohorts (gnomAD); In silico analysis supports that this missense variant does not alter protein structure/function; Has not been previously published as pathogenic or benign to our knowledge

NM_022455.5(NSD1):c.398A>G (p.Asn133Ser)

Gene: NSD1 (nuclear receptor binding SET domain protein 1; plus strand). Cytogenetic location: 5q35.3.
Variant type: single nucleotide variant.
Coding change: c.398A>G on transcript NM_022455.5 (MANE Select); coding-DNA position 398, A replaced by G.
Protein change: p.Asn133Ser; replaces asparagine 133 with serine.
Molecular consequence: missense variant. On other transcripts: intron variant (7).
Genome position (GRCh38, 1-based): chr5:177,135,501, A>G. VCF-style: chr5-177135501-A-G. GRCh37 (hg19) VCF-style: chr5-176562502-A-G.
Other names: c.398A>G, p.Asn133Ser (NM_001409301.1, NM_001409302.1, NM_001409303.1 and 1 more transcripts); c.-37+301A>G (NM_001409305.1, NM_001409306.1, NM_001409308.1 and 4 more transcripts); short protein forms N133S.
Identifiers: ClinVar variation 2430658 (VCV002430658.3), dbSNP rs1008986007, ClinGen allele CA132834349.
Genomic context (GRCh38, chr5:177,135,501, plus strand): 5'-GCACTTCCTTGAGTCCTGGTGGTCCTACAGCACTTGCTATGAAACAGGAACCCTCTTGTA[A>G]TAACTCCCCTGAACTCCAGGTAAAAGTAACAAAGACTATCAAGAATGGCTTTCTGCACTT-3'
Protein context (NP_071900.2, residues 123-143): ALAMKQEPSC[Asn133Ser]NSPELQVKVT